The following is an entry in ClinVar:

ClinVar aggregate classification (germline): Uncertain significance (1 of 4 stars; one submission).

Conditions:
Congenital contractural arachnodactyly (CCA). Also called: BEALS SYNDROME; Beals-Hecht syndrome; Arthrogryposis, distal, type 9. Identifiers: Orphanet 115, MedGen C0220668, MONDO:0007363, OMIM 121050.

Submission:

Labcorp Genetics (formerly Invitae), Labcorp
Classification: Uncertain significance for Congenital contractural arachnodactyly. Last evaluated: 2022-09-12. Review status: criteria provided, single submitter. Criteria: Invitae Variant Classification Sherloc (09022015). Collection method: clinical testing. Allele origin: germline.
Comment: This sequence change replaces threonine, which is neutral and polar, with alanine, which is neutral and non-polar, at codon 2482 of the FBN2 protein (p.Thr2482Ala). In summary, the available evidence is currently insufficient to determine the role of this variant in disease. Therefore, it has been classified as a Variant of Uncertain Significance. Advanced modeling of protein sequence and biophysical properties (such as structural, functional, and spatial information, amino acid conservation, physicochemical variation, residue mobility, and thermodynamic stability) performed at Invitae indicates that this missense variant is not expected to disrupt FBN2 protein function. This variant has not been reported in the literature in individuals affected with FBN2-related conditions. This variant is not present in population databases (gnomAD no frequency).

NM_001999.4(FBN2):c.7444A>G (p.Thr2482Ala)

Gene: FBN2 (fibrillin 2; minus strand). Cytogenetic location: 5q23.3.
Variant type: single nucleotide variant.
Coding change: c.7444A>G on transcript NM_001999.4 (MANE Select); coding-DNA position 7444, A replaced by G.
Protein change: p.Thr2482Ala; replaces threonine 2482 with alanine.
Molecular consequence: missense variant.
Genome position (GRCh38, 1-based): chr5:128,277,907, T>C on the plus strand (A>G on the coding strand, the complement: FBN2 is on the minus strand). VCF-style: chr5-128277907-T-C. GRCh37 (hg19) VCF-style: chr5-127613599-T-C.
Other names: short protein forms T2482A.
Identifiers: ClinVar variation 2158217 (VCV002158217.4), dbSNP rs2479649117, ClinGen allele CA360754299.